The following is an entry in ClinVar:

NM_002519.3(NPAT):c.1574T>C (p.Ile525Thr)

Gene: NPAT (nuclear protein, coactivator of histone transcription; minus strand). Cytogenetic location: 11q22.3.
Variant type: single nucleotide variant.
Coding change: c.1574T>C on transcript NM_002519.3 (MANE Select); coding-DNA position 1574, T replaced by C.
Protein change: p.Ile525Thr; replaces isoleucine 525 with threonine.
Molecular consequence: missense variant.
Genome position (GRCh38, 1-based): chr11:108,173,410, A>G on the plus strand (T>C on the coding strand, the complement: NPAT is on the minus strand). VCF-style: chr11-108173410-A-G. GRCh37 (hg19) VCF-style: chr11-108044137-A-G.
Other names: c.1574T>C, p.Ile525Thr (NM_001321307.1); short protein forms I525T.
Identifiers: ClinVar variation 1775561 (VCV001775561.8), dbSNP rs771824845, ClinGen allele CA6263967.

ClinVar aggregate classification (germline): Uncertain significance. Review status: criteria provided, multiple submitters, no conflicts (2 of 4 stars). 2 submissions from 2 submitters: Uncertain significance (2). Last evaluated 2024-06-10.

Allele frequency attached by ClinVar (database versions not stated): gnomAD exomes 0.00001; ExAC 0.00002.
gnomAD v4.1: 12 of 1,614,192 alleles (0.00074%); highest among the groups gnomAD compares: Admixed American, 0.0017%; no homozygotes.

Submissions (2):

Ambry Genetics
Classification: Uncertain significance. Last evaluated: 2024-06-10. Review status: criteria provided, single submitter. Criteria: Ambry Variant Classification Scheme 2023. Collection method: clinical testing. Allele origin: germline.

Labcorp Genetics (formerly Invitae), Labcorp
Classification: Uncertain significance. Last evaluated: 2022-08-28. Review status: criteria provided, single submitter. Criteria: Invitae Variant Classification Sherloc (09022015). Collection method: clinical testing. Allele origin: germline.
Comment: This sequence change replaces isoleucine, which is neutral and non-polar, with threonine, which is neutral and polar, at codon 525 of the NPAT protein (p.Ile525Thr). This variant is present in population databases (rs771824845, gnomAD 0.004%). This variant has not been reported in the literature in individuals affected with NPAT-related conditions. Algorithms developed to predict the effect of missense changes on protein structure and function output the following: SIFT: "Tolerated"; PolyPhen-2: "Benign"; Align-GVGD: "Class C0". The threonine amino acid residue is found in multiple mammalian species, which suggests that this missense change does not adversely affect protein function. In summary, the available evidence is currently insufficient to determine the role of this variant in disease. Therefore, it has been classified as a Variant of Uncertain Significance.